The following is an entry in ClinVar:

ClinVar aggregate classification (germline): Uncertain significance. Review status: criteria provided, multiple submitters, no conflicts (2 of 4 stars). 3 submissions from 3 submitters: Uncertain significance (3). Last evaluated 2024-01-09.

Conditions:
Anterior segment dysgenesis 7 (ASGD7). Also called: SCLEROCORNEA WITH OTHER OCULAR ANOMALIES; Anterior segment dysgenesis 7, with sclerocornea. Identifiers: Orphanet 289499, MedGen C3151617, MONDO:0010015, OMIM 269400.

Allele frequency attached by ClinVar (database versions not stated): ExAC 0.00015; gnomAD exomes 0.00019 and 0.00023; 1000 Genomes Project 0.00020; gnomAD 0.00022 and 0.00024; 1000 Genomes Project 30x 0.00031; TOPMed 0.00035.
gnomAD v4.1: 378 of 1,613,986 alleles (0.023%); highest among the groups gnomAD compares: Middle Eastern, 0.082%; no homozygotes.

Submissions (3):

Blueprint Genetics
Classification: Uncertain significance. Last evaluated: 2024-01-09. Review status: criteria provided, single submitter. Criteria: ACMG Guidelines, 2015. Collection method: clinical testing. Allele origin: germline.

Labcorp Genetics (formerly Invitae), Labcorp
Classification: Uncertain significance for Anterior segment dysgenesis 7. Last evaluated: 2022-10-05. Review status: criteria provided, single submitter. Criteria: Invitae Variant Classification Sherloc (09022015). Collection method: clinical testing. Allele origin: germline.
Comment: In summary, the available evidence is currently insufficient to determine the role of this variant in disease. Therefore, it has been classified as a Variant of Uncertain Significance. Advanced modeling of protein sequence and biophysical properties (such as structural, functional, and spatial information, amino acid conservation, physicochemical variation, residue mobility, and thermodynamic stability) performed at Invitae indicates that this missense variant is expected to disrupt PXDN protein function. ClinVar contains an entry for this variant (Variation ID: 1449754). This variant has not been reported in the literature in individuals affected with PXDN-related conditions. This variant is present in population databases (rs183629867, gnomAD 0.04%). This sequence change replaces valine, which is neutral and non-polar, with methionine, which is neutral and non-polar, at codon 1288 of the PXDN protein (p.Val1288Met).

Breakthrough Genomics
Classification: Uncertain significance. Review status: criteria provided, single submitter. Criteria: ACMG Guidelines, 2015. Collection method: not provided. Allele origin: germline. Inheritance: Autosomal recessive inheritance. Affected: yes.

NM_012293.3(PXDN):c.3862G>A (p.Val1288Met)

Gene: PXDN (peroxidasin; minus strand). Cytogenetic location: 2p25.3.
Variant type: single nucleotide variant.
Coding change: c.3862G>A on transcript NM_012293.3 (MANE Select); coding-DNA position 3862, G replaced by A.
Protein change: p.Val1288Met; replaces valine 1288 with methionine.
Molecular consequence: missense variant.
Genome position (GRCh38, 1-based): chr2:1,643,458, C>T on the plus strand (G>A on the coding strand, the complement: PXDN is on the minus strand). VCF-style: chr2-1643458-C-T. GRCh37 (hg19) VCF-style: chr2-1647230-C-T.
Other names: short protein forms V1288M.
Identifiers: ClinVar variation 1449754 (VCV001449754.8), dbSNP rs183629867, ClinGen allele CA1512597.